The following is an entry in ClinVar:

NM_004446.3(EPRS1):c.1724A>G (p.Asn575Ser)

Gene: EPRS1 (glutamyl-prolyl-tRNA synthetase 1; minus strand). Cytogenetic location: 1q41.
Variant type: single nucleotide variant.
Coding change: c.1724A>G on transcript NM_004446.3 (MANE Select); coding-DNA position 1724, A replaced by G.
Protein change: p.Asn575Ser; replaces asparagine 575 with serine.
Molecular consequence: missense variant.
Genome position (GRCh38, 1-based): chr1:220,007,220, T>C on the plus strand (A>G on the coding strand, the complement: EPRS1 is on the minus strand). VCF-style: chr1-220007220-T-C. GRCh37 (hg19) VCF-style: chr1-220180562-T-C.
Other names: short protein forms N575S.
Identifiers: ClinVar variation 2074110 (VCV002074110.4), dbSNP rs148551457, ClinGen allele CA1400194.

ClinVar aggregate classification (germline): Uncertain significance (1 of 4 stars; one submission).

Allele frequency attached by ClinVar (database versions not stated): gnomAD 0.00026; TOPMed 0.00034; ESP Exome Variant Server 0.00054.
gnomAD v4.1: 75 of 1,613,066 alleles (0.0046%); highest among the groups gnomAD compares: African/African-American, 0.096%; no homozygotes.

Submission:

Labcorp Genetics (formerly Invitae), Labcorp
Classification: Uncertain significance. Last evaluated: 2023-05-22. Review status: criteria provided, single submitter. Criteria: Invitae Variant Classification Sherloc (09022015). Collection method: clinical testing. Allele origin: germline.
Comment: This sequence change replaces asparagine, which is neutral and polar, with serine, which is neutral and polar, at codon 575 of the EPRS protein (p.Asn575Ser). This variant is present in population databases (rs148551457, gnomAD 0.1%). This variant has not been reported in the literature in individuals affected with EPRS-related conditions. ClinVar contains an entry for this variant (Variation ID: 2074110). Algorithms developed to predict the effect of missense changes on protein structure and function output the following: SIFT: "Not Available"; PolyPhen-2: "Benign"; Align-GVGD: "Not Available". The serine amino acid residue is found in multiple mammalian species, which suggests that this missense change does not adversely affect protein function. In summary, the available evidence is currently insufficient to determine the role of this variant in disease. Therefore, it has been classified as a Variant of Uncertain Significance.